The following is an entry in ClinVar:

NM_181882.3(PRX):c.3853G>A (p.Gly1285Arg)

Gene: PRX (periaxin; minus strand). Cytogenetic location: 19q13.2.
Variant type: single nucleotide variant.
Coding change: c.3853G>A on transcript NM_181882.3 (MANE Select); coding-DNA position 3853, G replaced by A.
Protein change: p.Gly1285Arg; replaces glycine 1285 with arginine.
Molecular consequence: missense variant. On other transcripts: 3 prime UTR variant (1).
Genome position (GRCh38, 1-based): chr19:40,394,499, C>T on the plus strand (G>A on the coding strand, the complement: PRX is on the minus strand). VCF-style: chr19-40394499-C-T. GRCh37 (hg19) VCF-style: chr19-40900406-C-T.
Other names: c.*4058G>A (NM_020956.2); short protein forms G1285R.
Identifiers: ClinVar variation 476968 (VCV000476968.12), dbSNP rs374370759, ClinGen allele CA308416368.

ClinVar aggregate classification (germline): Uncertain significance. Review status: criteria provided, multiple submitters, no conflicts (2 of 4 stars). 4 submissions from 4 submitters: Uncertain significance (4). Last evaluated 2026-03-12.

Conditions:
PRX-related disorder. Also called: PRX-related condition; PRX-Related Disorders.
Inborn genetic diseases. Identifiers: MedGen C0950123, MeSH D030342.
Charcot-Marie-Tooth disease type 4. Also called: Charcot-Marie-Tooth disease, type IV; Charcot-Marie-Tooth, Type 4. Identifiers: Orphanet 64749, MedGen C4082197, MONDO:0018995.

Allele frequency attached by ClinVar (database versions not stated): TOPMed 0.00002; gnomAD 0.00003; ESP Exome Variant Server 0.00008.
gnomAD v4.1: 44 of 1,599,056 alleles (0.0028%); highest among the groups gnomAD compares: Middle Eastern, 0.033%; no homozygotes.

Submissions (4):

PreventionGenetics, part of Exact Sciences
Classification: Uncertain significance for PRX-related condition. Last evaluated: 2026-03-12. Review status: criteria provided, single submitter. Criteria: ACMG Guidelines, 2015. Collection method: clinical testing. Allele origin: germline.
Comment: The PRX c.3853G>A variant is predicted to result in the amino acid substitution p.Gly1285Arg. To our knowledge, this variant has not been reported in the literature or in a large population database (gnomAD), indicating this variant is rare. At this time, the clinical significance of this variant is uncertain due to the absence of conclusive functional and genetic evidence.

Ambry Genetics
Classification: Uncertain significance for Inborn genetic diseases. Last evaluated: 2025-12-03. Review status: criteria provided, single submitter. Criteria: Ambry Variant Classification Scheme 2023. Collection method: clinical testing. Allele origin: germline.

GeneDx
Classification: Uncertain significance. Last evaluated: 2025-03-30. Review status: criteria provided, single submitter. Criteria: GeneDx Variant Classification Process June 2021. Collection method: clinical testing. Allele origin: germline. Affected: yes.
Comment: Not observed at significant frequency in large population cohorts (gnomAD); In silico analysis indicates that this missense variant does not alter protein structure/function; Has not been previously published as pathogenic or benign to our knowledge

Labcorp Genetics (formerly Invitae), Labcorp
Classification: Uncertain significance for Charcot-Marie-Tooth disease type 4. Last evaluated: 2024-09-27. Review status: criteria provided, single submitter. Criteria: Invitae Variant Classification Sherloc (09022015). Collection method: clinical testing. Allele origin: germline.
Comment: This sequence change replaces glycine, which is neutral and non-polar, with arginine, which is basic and polar, at codon 1285 of the PRX protein (p.Gly1285Arg). This variant is not present in population databases (gnomAD no frequency). This variant has not been reported in the literature in individuals affected with PRX-related conditions. ClinVar contains an entry for this variant (Variation ID: 476968). Invitae Evidence Modeling of protein sequence and biophysical properties (such as structural, functional, and spatial information, amino acid conservation, physicochemical variation, residue mobility, and thermodynamic stability) indicates that this missense variant is not expected to disrupt PRX protein function with a negative predictive value of 80%. In summary, the available evidence is currently insufficient to determine the role of this variant in disease. Therefore, it has been classified as a Variant of Uncertain Significance.